The following is an entry in ClinVar:

NM_002838.5(PTPRC):c.3815C>G (p.Pro1272Arg)

Gene: PTPRC (protein tyrosine phosphatase receptor type C; plus strand). Cytogenetic location: 1q32.1.
Variant type: single nucleotide variant.
Coding change: c.3815C>G on transcript NM_002838.5 (MANE Select); coding-DNA position 3815, C replaced by G.
Protein change: p.Pro1272Arg; replaces proline 1272 with arginine.
Molecular consequence: missense variant.
Genome position (GRCh38, 1-based): chr1:198,756,075, C>G. VCF-style: chr1-198756075-C-G. GRCh37 (hg19) VCF-style: chr1-198725204-C-G.
Other names: c.3332C>G, p.Pro1111Arg (NM_080921.4); short protein forms P1111R, P1272R.
Identifiers: ClinVar variation 1409381 (VCV001409381.3), dbSNP rs969670354, ClinGen allele CA35920784.

ClinVar aggregate classification (germline): Uncertain significance (1 of 4 stars; one submission).

Conditions:
Immunodeficiency 104. Also called: SCID, AUTOSOMAL RECESSIVE, T CELL-NEGATIVE, B CELL-POSITIVE, NK CELL-POSITIVE; Severe combined immunodeficiency, autosomal recessive, T cell-negative, B cell-positive, NK cell-positive; IMMUNODEFICIENCY 104, SEVERE COMBINED; Severe Combined Immune Deficiency, Autosomal Recessive, TCell -Negative, B Cell-Positive, NK Cell-Positive, IL7R-Related. Identifiers: MedGen C5676890, MONDO:0012163, OMIM 608971.

Allele frequency attached by ClinVar (database versions not stated): TOPMed below 0.00001; gnomAD 0.00002 and 0.00003; gnomAD exomes 0.00003.
gnomAD v4.1: 45 of 1,613,322 alleles (0.0028%); highest among the groups gnomAD compares: Non-Finnish European, 0.0037%; no homozygotes.

Submission:

Labcorp Genetics (formerly Invitae), Labcorp
Classification: Uncertain significance for Immunodeficiency 104. Last evaluated: 2022-09-27. Review status: criteria provided, single submitter. Criteria: Invitae Variant Classification Sherloc (09022015). Collection method: clinical testing. Allele origin: germline.
Comment: This sequence change replaces proline, which is neutral and non-polar, with arginine, which is basic and polar, at codon 1272 of the PTPRC protein (p.Pro1272Arg). This variant is present in population databases (no rsID available, gnomAD 0.01%). This variant has not been reported in the literature in individuals affected with PTPRC-related conditions. ClinVar contains an entry for this variant (Variation ID: 1409381). Algorithms developed to predict the effect of missense changes on protein structure and function (SIFT, PolyPhen-2, Align-GVGD) all suggest that this variant is likely to be tolerated. In summary, the available evidence is currently insufficient to determine the role of this variant in disease. Therefore, it has been classified as a Variant of Uncertain Significance.